The following is an entry in ClinVar:

NM_004937.3(CTNS):c.120dup (p.Asn41fs)

Gene: CTNS (cystinosin, lysosomal cystine transporter; plus strand). Cytogenetic location: 17p13.2.
Variant type: Duplication.
Coding change: c.120dup on transcript NM_004937.3 (MANE Select); coding-DNA position 120, one base duplicated (C; older notation c.120dupC).
Protein change: p.Asn41fs; shifts the reading frame from asparagine 41.
Molecular consequence: frameshift variant. On other transcripts: 5 prime UTR variant (3), intron variant (1).
Genome position (GRCh38, 1-based): chr17:3,647,502, C duplicated; the last of 2 consecutive C bases (chr17:3,647,501-3,647,502); duplicating either gives the same sequence. VCF-style (leftmost placement, unchanged base first): chr17-3647500-A-AC. GRCh37 (hg19) VCF-style: chr17-3550794-A-AC.
Other names: c.120dup, p.Asn41fs (NM_001031681.3, NM_001374492.1); c.-237dup (NM_001374493.1, NM_001374496.1); c.-322dup (NM_001374494.1); c.-217+7235dup (NM_001374495.1); short protein forms N41fs.
Identifiers: ClinVar variation 2585203 (VCV002585203.2), dbSNP rs879255616, ClinGen allele CA2582342609.

ClinVar aggregate classification (germline): Likely pathogenic (1 of 4 stars; one submission).

Conditions:
Nephropathic cystinosis (CTNS). Also called: Abderhalden Lignac Kaufmann disease; Abderhalden-Kaufmann-Lignac syndrome; CYSTINOSIN, DEFECT OF; LYSOSOMAL CYSTINE TRANSPORT PROTEIN, DEFECT OF. Identifiers: Orphanet 213, Orphanet 411629, MedGen C2931187, MONDO:0100151, OMIM 219800.

Submission:

Neuberg Centre For Genomic Medicine, NCGM
Classification: Likely pathogenic for Nephropathic cystinosis. Last evaluated: 2023-07-22. Review status: criteria provided, single submitter. Criteria: ACMG Guidelines, 2015. Collection method: clinical testing. Allele origin: germline. Inheritance: Autosomal recessive inheritance. Affected: yes.
Comment: The observed frameshift c.120dupp.Asn41GlnfsTer19 variant in CTNS gene has not been reported previously as a pathogenic variant nor as a benign variant, to our knowledge. This variant is absent in gnomAD Exomes. This variant causes a frameshift starting with codon Asparagine 41, changes this amino acid to Glutamine residue, and creates a premature Stop codon at position 19 of the new reading frame, denoted p.Asn41GlnfsTer19. This variant is predicted to cause loss of normal protein function through protein truncation. Loss of function variants have been previously reported to be disease causing. For these reasons, this variant has been classified as Likely Pathogenic.